The following is an entry in ClinVar:

ClinVar aggregate classification (germline): Uncertain significance (1 of 4 stars; one submission).

Conditions:
Hereditary cancer-predisposing syndrome. Also called: Tumor predisposition; Hereditary neoplastic syndrome; Hereditary Cancer Syndrome; Neoplastic Syndromes, Hereditary. Identifiers: Orphanet 140162, MedGen C0027672, MeSH D009386, MONDO:0015356.

Submission:

Ambry Genetics
Classification: Uncertain significance for Hereditary cancer-predisposing syndrome. Last evaluated: 2025-04-25. Review status: criteria provided, single submitter. Criteria: Ambry Variant Classification Scheme 2023. Collection method: clinical testing. Allele origin: germline.
Comment: The p.A96G variant (also known as c.287C>G), located in coding exon 3 of the SDHD gene, results from a C to G substitution at nucleotide position 287. The alanine at codon 96 is replaced by glycine, an amino acid with similar properties. This amino acid position is conserved. In addition, this alteration is predicted to be deleterious by in silico analysis. Based on the available evidence, the clinical significance of this variant remains unclear.

NM_003002.4(SDHD):c.287C>G (p.Ala96Gly)

Gene: SDHD (succinate dehydrogenase complex subunit D; plus strand). Cytogenetic location: 11q23.1.
Variant type: single nucleotide variant.
Coding change: c.287C>G on transcript NM_003002.4 (MANE Select); coding-DNA position 287, C replaced by G.
Protein change: p.Ala96Gly; replaces alanine 96 with glycine.
Molecular consequence: missense variant. On other transcripts: non-coding transcript variant (1), intron variant (1).
Genome position (GRCh38, 1-based): chr11:112,088,984, C>G. VCF-style: chr11-112088984-C-G. GRCh37 (hg19) VCF-style: chr11-111959708-C-G.
Other names: c.170C>G, p.Ala57Gly (NM_001276504.2); c.287C>G, p.Ala96Gly (NM_001276506.2); c.169+1011C>G (NM_001276503.2); short protein forms A96G, A57G.
Identifiers: ClinVar variation 3951427 (VCV003951427.1).